The following is an entry in ClinVar:

ClinVar aggregate classification (germline): Uncertain significance. Review status: criteria provided, multiple submitters, no conflicts (2 of 4 stars). 2 submissions from 2 submitters: Uncertain significance (2). Last evaluated 2025-06-06.

Conditions:
Cardiomyopathy (CMYO). Also called: Cardiomyopathies. Identifiers: Orphanet 167848, MedGen C0878544, MONDO:0004994, HP:0001638. Inheritance: Various modes of inheritance.

Allele frequency attached by ClinVar (database versions not stated): gnomAD exomes below 0.00001; ExAC 0.00003.
gnomAD v4.1: 6 of 1,532,494 alleles (0.00039%); highest among the groups gnomAD compares: Non-Finnish European, 0.00053%; no homozygotes.

Submissions (2):

GeneDx
Classification: Uncertain significance. Last evaluated: 2025-06-06. Review status: criteria provided, single submitter. Criteria: GeneDx Variant Classification Process June 2021. Collection method: clinical testing. Allele origin: germline. Affected: yes.
Comment: Not observed at significant frequency in large population cohorts (gnomAD); In silico analysis supports that this missense variant has a deleterious effect on protein structure/function; Has not been previously published as pathogenic or benign to our knowledge

Color Diagnostics, LLC DBA Color Health
Classification: Uncertain significance for Cardiomyopathy. Last evaluated: 2020-02-20. Review status: criteria provided, single submitter. Criteria: ACMG Guidelines, 2015. Collection method: clinical testing. Allele origin: germline.
Comment: This missense variant replaces threonine with isoleucine at codon 874 of the MYBPC3 protein. Computational prediction suggests that this variant may not impact protein structure and function (internally defined REVEL score threshold <= 0.5, PMID: 27666373). Splice site prediction tools suggest that this variant may not impact RNA splicing. To our knowledge, functional studies have not been performed for this variant. This variant has not been reported in individuals affected with cardiovascular disorders in the literature. This variant has not been identified in the general population by the Genome Aggregation Database (gnomAD). The available evidence is insufficient to determine the role of this variant in disease conclusively. Therefore, this variant is classified as a Variant of Uncertain Significance.

NM_000256.3(MYBPC3):c.2621C>T (p.Thr874Ile)

Gene: MYBPC3 (myosin binding protein C3; minus strand). Cytogenetic location: 11p11.2.
Variant type: single nucleotide variant.
Coding change: c.2621C>T on transcript NM_000256.3 (MANE Select); coding-DNA position 2621, C replaced by T.
Protein change: p.Thr874Ile; replaces threonine 874 with isoleucine.
Molecular consequence: missense variant.
Genome position (GRCh38, 1-based): chr11:47,335,993, G>A on the plus strand (C>T on the coding strand, the complement: MYBPC3 is on the minus strand). VCF-style: chr11-47335993-G-A. GRCh37 (hg19) VCF-style: chr11-47357544-G-A.
Other names: short protein forms T874I.
Identifiers: ClinVar variation 922000 (VCV000922000.4), dbSNP rs759847861, ClinGen allele CA050989.